The following is an entry in ClinVar:

ClinVar aggregate classification (germline): Pathogenic. Review status: criteria provided, multiple submitters, no conflicts (2 of 4 stars). 4 submissions from 4 submitters: Pathogenic (4). Last evaluated 2025-07-07.

Conditions:
Cardiovascular phenotype. Identifiers: MedGen CN230736.
Hereditary cancer-predisposing syndrome. Also called: Hereditary Cancer Syndrome; Neoplastic Syndromes, Hereditary; Tumor predisposition; Hereditary neoplastic syndrome. Identifiers: Orphanet 140162, MedGen C0027672, MeSH D009386, MONDO:0015356.
Neurofibromatosis, type 1 (NF1). Also called: VON RECKLINGHAUSEN DISEASE; Neurofibromatosis, type I; Peripheral type neurofibromatosis; NEUROFIBROMATOSIS, TYPE I, SOMATIC. Identifiers: Orphanet 636, MedGen C0027831, MONDO:0018975, OMIM 162200. Disease mechanism: loss of function.

gnomAD v4.1: 1 of 1,612,964 alleles (0.000062%); highest among the groups gnomAD compares: Non-Finnish European, 0.000085%; no homozygotes.

Submissions (4):

GeneDx
Classification: Pathogenic. Last evaluated: 2025-07-07. Review status: criteria provided, single submitter. Criteria: GeneDx Variant Classification Process June 2021. Collection method: clinical testing. Allele origin: germline.
Comment: Identified in patients with neurofibromatosis type 1 referred for genetic testing at GeneDx and in published literature (PMID: 23656349, 30290804); Nonsense variant predicted to result in protein truncation or nonsense mediated decay in a gene for which loss of function is a known mechanism of disease; Not observed at significant frequency in large population cohorts (gnomAD); This variant is associated with the following publications: (PMID: 23656349, 30290804, 36612057, 31370276)

Labcorp Genetics (formerly Invitae), Labcorp
Classification: Pathogenic for Neurofibromatosis, type 1. Last evaluated: 2024-08-31. Review status: criteria provided, single submitter. Criteria: Invitae Variant Classification Sherloc (09022015). Collection method: clinical testing. Allele origin: germline.
Comment: This sequence change creates a premature translational stop signal (p.Ser1546*) in the NF1 gene. It is expected to result in an absent or disrupted protein product. Loss-of-function variants in NF1 are known to be pathogenic (PMID: 10712197, 23913538). This variant is not present in population databases (gnomAD no frequency). This premature translational stop signal has been observed in individual(s) with neurofibromatosis type 1 (PMID: 30290804, 31370276). ClinVar contains an entry for this variant (Variation ID: 811172). Algorithms developed to predict the effect of sequence changes on RNA splicing suggest that this variant may disrupt the consensus splice site. For these reasons, this variant has been classified as Pathogenic.

Ambry Genetics
Classification: Pathogenic for Cardiovascular phenotype; Hereditary cancer-predisposing syndrome. Last evaluated: 2019-11-21. Review status: criteria provided, single submitter. Criteria: Ambry Variant Classification Scheme 2023. Collection method: clinical testing. Allele origin: germline.
Comment: The p.S1546* pathogenic mutation (also known as c.4637C>G), located in coding exon 34 of the NF1 gene, results from a C to G substitution at nucleotide position 4637. This changes the amino acid from a serine to a stop codon within coding exon 34. This alteration is expected to result in loss of function by premature protein truncation or nonsense-mediated mRNA decay. As such, this alteration is interpreted as a disease-causing mutation.

ARUP Laboratories, Molecular Genetics and Genomics, ARUP Laboratories
Classification: Pathogenic. Last evaluated: 2018-10-23. Review status: criteria provided, single submitter. Criteria: ARUP Molecular Germline Variant Investigation Process. Collection method: clinical testing. Allele origin: germline.
Comment: The NF1 c.4700C>G; p.Ser1567Ter variant is reported in the literature in an individual suspected of having neurofibromatosis 1 (Wu-Chao 2018). This variant is absent from general population databases (Exome Variant Server, Genome Aggregation Database), indicating it is not a common polymorphism. This variant induces an early termination codon and is predicted to result in a truncated protein or mRNA subject to nonsense-mediated decay. Based on available information, the p.Ser1567Ter variant is considered to be pathogenic. References: Wu-Chou YH et al. Genetic diagnosis of neurofibromatosis type 1: targeted next- generation sequencing with Multiple Ligation-Dependent Probe Amplification analysis. J Biomed Sci. 2018 Oct 5;25(1):72.

Literature cited by the submitters: PubMed 10712197 (cited by Labcorp Genetics (formerly Invitae), Labcorp); PubMed 23913538 (cited by Labcorp Genetics (formerly Invitae), Labcorp); PubMed 30290804 (cited by Labcorp Genetics (formerly Invitae), Labcorp); PubMed 31370276 (cited by Labcorp Genetics (formerly Invitae), Labcorp).

NM_001042492.3(NF1):c.4700C>G (p.Ser1567Ter)

Gene: NF1 (neurofibromin 1; plus strand). Cytogenetic location: 17q11.2.
Variant type: single nucleotide variant.
Coding change: c.4700C>G on transcript NM_001042492.3 (MANE Select); coding-DNA position 4700, C replaced by G.
Protein change: p.Ser1567Ter; replaces serine 1567 with a stop codon.
Molecular consequence: nonsense.
Genome position (GRCh38, 1-based): chr17:31,261,833, C>G. VCF-style: chr17-31261833-C-G. GRCh37 (hg19) VCF-style: chr17-29588851-C-G.
Other names: c.4637C>G, p.Ser1546Ter (NM_000267.4); short protein forms S1546*, S1567*.
Identifiers: ClinVar variation 811172 (VCV000811172.16), dbSNP rs1555619051, ClinGen allele CA399000578.